The following is an entry in ClinVar:

ClinVar aggregate classification (germline): Uncertain significance (1 of 4 stars; one submission).

Conditions:
Hypertrophic cardiomyopathy. Also called: HYPERTROPHIC MYOCARDIOPATHY. Identifiers: Orphanet 217569, MedGen C0007194, MeSH D002312, MONDO:0005045, HP:0001639.

Submission:

All of Us Research Program, National Institutes of Health
Classification: Uncertain significance for Hypertrophic cardiomyopathy. Last evaluated: 2024-04-17. Review status: criteria provided, single submitter. Criteria: ACMG Guidelines, 2015. Collection method: clinical testing. Allele origin: germline. Inheritance: Autosomal dominant inheritance. Observed: 1 variant allele, 1 heterozygote.
Comment: This study involves interpretation of variants in research participants for the purpose of population health screening. Participant phenotype was not available at the time of variant classification. Additional details can be found in publication PMID: 35346344, PMCID: PMC8962531

NM_000258.3(MYL3):c.158-2A>C

Gene: MYL3 (myosin light chain 3; minus strand). Cytogenetic location: 3p21.31.
Variant type: single nucleotide variant.
Coding change: c.158-2A>C on transcript NM_000258.3 (MANE Select); the canonical splice acceptor site of the intron before coding-DNA position 158, A replaced by C.
Molecular consequence: splice acceptor variant.
Genome position (GRCh38, 1-based): chr3:46,860,827, T>G on the plus strand (A>C on the coding strand, the complement: MYL3 is on the minus strand). VCF-style: chr3-46860827-T-G. GRCh37 (hg19) VCF-style: chr3-46902317-T-G.
Other names: c.158-2A>C (NM_001406939.1, NM_001406938.1, NM_001406937.1); c.-17-2A>C (NM_001406940.1, NM_001406941.1).
Identifiers: ClinVar variation 3387387 (VCV003387387.1).
Genomic context (GRCh38, chr3:46,860,827, plus strand): 5'-GGTGATCTTCATCTCACACTTGGGTGTGCGGTCGAACAGCATGAAGGCTTCCTTGAACTC[T>G]GCCAGGAGAGGGCAGTGAGCCACAGACACTCCCAGGGTCAGCCTACCCCACTCCCCACAC-3'